The following is an entry in ClinVar:

ClinVar aggregate classification (germline): Pathogenic (1 of 4 stars; one submission).

Submission:

Labcorp Genetics (formerly Invitae), Labcorp
Classification: Pathogenic. Last evaluated: 2022-09-27. Review status: criteria provided, single submitter. Criteria: Invitae Variant Classification Sherloc (09022015). Collection method: clinical testing. Allele origin: germline.
Comment: For these reasons, this variant has been classified as Pathogenic. A similar copy number variant has been observed in individual(s) with autosomal recessive bestrophinopathy (PMID: 23290749). This variant is a gross deletion of the genomic region encompassing exon(s) 2 of the BEST1 gene, which includes the initiator codon. This deletion extends beyond the assayed region for this gene and therefore may encompass additional genes. It is expected to result in an absent or disrupted protein product. Loss-of-function variants in BEST1 are known to be pathogenic (PMID: 21825197).

Literature cited by the submitters: PubMed 23290749; PubMed 21825197.

NC_000011.9:g.(?_61717900)_(61719450_?)del

Gene: BEST1 (bestrophin 1; plus strand). Cytogenetic location: 11q12.3.
Variant type: Deletion.
Identifiers: ClinVar variation 1458361 (VCV001458361.5).